The following is an entry in ClinVar:

ClinVar aggregate classification (germline): Pathogenic/Likely pathogenic. Review status: criteria provided, multiple submitters, no conflicts (2 of 4 stars). 3 submissions from 3 submitters: Pathogenic (1); Likely pathogenic (2). Last evaluated 2024-03-02.

Conditions:
LCA5-related disorder. Also called: LCA5-related condition.
Leber congenital amaurosis 5 (LCA5). Also called: Amaurosis congenita of Leber, type 5. Identifiers: Orphanet 65, MedGen C1858301, MONDO:0011473, OMIM 604537.

Submissions (3):

Labcorp Genetics (formerly Invitae), Labcorp
Classification: Pathogenic. Last evaluated: 2024-03-02. Review status: criteria provided, single submitter. Criteria: Invitae Variant Classification Sherloc (09022015). Collection method: clinical testing. Allele origin: germline.
Comment: This sequence change creates a premature translational stop signal (p.Asn318Lysfs*7) in the LCA5 gene. It is expected to result in an absent or disrupted protein product. Loss-of-function variants in LCA5 are known to be pathogenic (PMID: 17546029, 23946133). The frequency data for this variant in the population databases is considered unreliable, as metrics indicate poor data quality at this position in the gnomAD database. This variant has not been reported in the literature in individuals affected with LCA5-related conditions. ClinVar contains an entry for this variant (Variation ID: 1452026). For these reasons, this variant has been classified as Pathogenic.

Baylor Genetics
Classification: Likely pathogenic for Leber congenital amaurosis 5. Last evaluated: 2022-11-28. Review status: criteria provided, single submitter. Criteria: ACMG Guidelines, 2015. Collection method: clinical testing. Allele origin: unknown.

Blueprint Genetics
Classification: Likely pathogenic for LCA5-related disorders. Last evaluated: 2018-06-09. Review status: criteria provided, single submitter. Criteria: ACMG Guidelines, 2015. Collection method: clinical testing. Allele origin: germline. Affected: yes. Observed: 1 variant allele.

Literature cited by the submitters: PubMed 17546029 (cited by Labcorp Genetics (formerly Invitae), Labcorp); PubMed 23946133 (cited by Labcorp Genetics (formerly Invitae), Labcorp).

NM_001122769.3(LCA5):c.953dup (p.Asn318fs)

Gene: LCA5 (lebercilin LCA5; minus strand). Cytogenetic location: 6q14.1.
Variant type: Duplication.
Coding change: c.953dup on transcript NM_001122769.3 (MANE Select); coding-DNA position 953, one base duplicated (A; older notation c.953dupA).
Protein change: p.Asn318fs; shifts the reading frame from asparagine 318.
Molecular consequence: frameshift variant.
Genome position (GRCh38, 1-based): chr6:79,492,553, T duplicated on the plus strand (A on the coding strand, the reverse complement: LCA5 is on the minus strand); the first of 6 consecutive T bases (chr6:79,492,553-79,492,558); duplicating any one gives the same sequence. VCF-style (leftmost placement, unchanged base first): chr6-79492552-A-AT. GRCh37 (hg19) VCF-style: chr6-80202269-A-AT.
Other names: c.953dup, p.Asn318fs (NM_181714.4); short protein forms N318fs.
Identifiers: ClinVar variation 1452026 (VCV001452026.8), dbSNP rs1429753961, ClinGen allele CA568279588.